The following is an entry in ClinVar:

NM_004787.4(SLIT2):c.1167A>G (p.Val389=)

Gene: SLIT2 (slit guidance ligand 2; plus strand). Cytogenetic location: 4p15.31.
Variant type: single nucleotide variant.
Coding change: c.1167A>G on transcript NM_004787.4 (MANE Select); coding-DNA position 1167, A replaced by G.
Protein change: p.Val389=; no amino-acid change (valine 389 retained).
Molecular consequence: synonymous variant.
Genome position (GRCh38, 1-based): chr4:20,523,796, A>G. VCF-style: chr4-20523796-A-G. GRCh37 (hg19) VCF-style: chr4-20525419-A-G.
Other names: c.1179A>G, p.Val393= (NM_001289135.3); c.1167A>G, p.Val389= (NM_001289136.3).
Identifiers: ClinVar variation 4995569 (VCV004995569.1).

ClinVar aggregate classification (germline): Uncertain significance (1 of 4 stars; one submission).

Conditions:
SLIT2-related disorder. Also called: SLIT2-related condition.

gnomAD v4.1: 1 of 1,613,980 alleles (0.000062%); highest among the groups gnomAD compares: East Asian, 0.0022%; no homozygotes.

Submission:

PreventionGenetics, part of Exact Sciences
Classification: Uncertain significance for SLIT2-related condition. Last evaluated: 2025-09-02. Review status: criteria provided, single submitter. Criteria: ACMG Guidelines, 2015. Collection method: clinical testing. Allele origin: germline.
Comment: The SLIT2 c.1167A>G variant is not predicted to result in an amino acid change (p.=). This variant is predicted to alter splicing based on available splicing prediction programs (Alamut Visual Plus v1.6.1; SpliceAI, Jaganathan et al. 2019. PubMed ID: 30661751). However, the use of computer prediction programs is not equivalent to functional evidence. To our knowledge, this variant has not been reported in the literature or in a large population database (gnomAD), indicating this variant is rare. At this time, the clinical significance of this variant is uncertain due to the absence of conclusive functional and genetic evidence.